The following is an entry in ClinVar:

NM_173630.4(RTTN):c.6449G>T (p.Cys2150Phe)

Gene: RTTN (rotatin; minus strand). Cytogenetic location: 18q22.2.
Variant type: single nucleotide variant.
Coding change: c.6449G>T on transcript NM_173630.4 (MANE Select); coding-DNA position 6449, G replaced by T.
Protein change: p.Cys2150Phe; replaces cysteine 2150 with phenylalanine.
Molecular consequence: missense variant.
Genome position (GRCh38, 1-based): chr18:70,006,457, C>A on the plus strand (G>T on the coding strand, the complement: RTTN is on the minus strand). VCF-style: chr18-70006457-C-A. GRCh37 (hg19) VCF-style: chr18-67673693-C-A.
Other names: c.3713G>T, p.Cys1238Phe (NM_001318520.2); short protein forms C1238F, C2150F.
Identifiers: ClinVar variation 1706232 (VCV001706232.2), dbSNP rs759240444, ClinGen allele CA8994653.

ClinVar aggregate classification (germline): Uncertain significance (1 of 4 stars; one submission).

Allele frequency attached by ClinVar (database versions not stated): ExAC 0.00001.
gnomAD v4.1: 6 of 1,614,054 alleles (0.00037%); highest among the groups gnomAD compares: South Asian, 0.0022%; no homozygotes.

Submission:

GeneDx
Classification: Uncertain significance. Last evaluated: 2022-03-16. Review status: criteria provided, single submitter. Criteria: GeneDx Variant Classification Process June 2021. Collection method: clinical testing. Allele origin: germline. Affected: yes.
Comment: Not observed at significant frequency in large population cohorts (gnomAD); In silico analysis supports that this missense variant has a deleterious effect on protein structure/function; Has not been previously published as pathogenic or benign to our knowledge